The following is an entry in ClinVar:

ClinVar aggregate classification (germline): Uncertain significance (1 of 4 stars; one submission).

gnomAD v4.1: 2 of 1,534,164 alleles (0.00013%); highest among the groups gnomAD compares: Non-Finnish European, 0.00017%; no homozygotes.

Submission:

Labcorp Genetics (formerly Invitae), Labcorp
Classification: Uncertain significance. Last evaluated: 2022-07-08. Review status: criteria provided, single submitter. Criteria: Invitae Variant Classification Sherloc (09022015). Collection method: clinical testing. Allele origin: germline.
Comment: In summary, the available evidence is currently insufficient to determine the role of this variant in disease. Therefore, it has been classified as a Variant of Uncertain Significance. Algorithms developed to predict the effect of missense changes on protein structure and function are either unavailable or do not agree on the potential impact of this missense change (SIFT: "Deleterious"; PolyPhen-2: "Not Available"; Align-GVGD: "Class C0"). This sequence change replaces serine, which is neutral and polar, with tyrosine, which is neutral and polar, at codon 796 of the PDZD7 protein (p.Ser796Tyr). This variant is present in population databases (no rsID available, gnomAD 0.002%). This variant has not been reported in the literature in individuals affected with PDZD7-related conditions.

NM_001195263.2(PDZD7):c.2387C>A (p.Ser796Tyr)

Gene: PDZD7 (PDZ domain containing 7; minus strand). Cytogenetic location: 10q24.31.
Variant type: single nucleotide variant.
Coding change: c.2387C>A on transcript NM_001195263.2 (MANE Select); coding-DNA position 2387, C replaced by A.
Protein change: p.Ser796Tyr; replaces serine 796 with tyrosine.
Molecular consequence: missense variant.
Genome position (GRCh38, 1-based): chr10:101,010,502, G>T on the plus strand (C>A on the coding strand, the complement: PDZD7 is on the minus strand). VCF-style: chr10-101010502-G-T. GRCh37 (hg19) VCF-style: chr10-102770259-G-T.
Other names: short protein forms S796Y.
Identifiers: ClinVar variation 1952064 (VCV001952064.5), dbSNP rs1467076771, ClinGen allele CA378224357.